The following is an entry in ClinVar:

ClinVar aggregate classification (germline): Uncertain significance (1 of 4 stars; one submission).

Conditions:
X-linked Alport syndrome (ATS1). Also called: NEPHROPATHY AND DEAFNESS, X-LINKED; COL4A5-Related Nephropathy. Identifiers: Orphanet 63, Orphanet 88917, MedGen C4746986, MONDO:0010520, OMIM 301050.

Submission:

MVZ Medizinische Genetik Mainz
Classification: Uncertain significance for X-linked Alport syndrome. Last evaluated: 2025-10-07. Review status: criteria provided, single submitter. Criteria: UK Practice Guidelines For Variant Classification V4 01 2020. Collection method: clinical testing. Allele origin: germline. Inheritance: X-linked dominant inheritance. Affected: yes. Observed: 1 variant allele.
Comment: ACMG Criteria: PM2_SUP,PP3,PP4

NM_033380.3(COL4A5):c.2395+1291A>T

Gene: COL4A5 (collagen type IV alpha 5 chain; plus strand). Cytogenetic location: Xq22.3.
Variant type: single nucleotide variant.
Coding change: c.2395+1291A>T on transcript NM_033380.3 (MANE Select); 1291 bases into the intron after coding-DNA position 2395, A replaced by T.
Molecular consequence: intron variant.
Genome position (GRCh38, 1-based): chrX:108,608,183, A>T. VCF-style: chrX-108608183-A-T. GRCh37 (hg19) VCF-style: chrX-107851413-A-T.
Other names: c.2395+1291A>T (NM_000495.5).
Identifiers: ClinVar variation 4526487 (VCV004526487.1).